The following is an entry in ClinVar:

ClinVar aggregate classification (germline): Uncertain significance. Review status: criteria provided, multiple submitters, no conflicts (2 of 4 stars). 2 submissions from 2 submitters: Uncertain significance (2). Last evaluated 2024-05-20.

Conditions:
Retinoblastoma (RB1). Also called: RETINOBLASTOMA, SOMATIC. Identifiers: Orphanet 790, MedGen C0035335, MeSH D012175, MONDO:0008380, OMIM 180200, HP:0009919. Disease mechanism: loss of function. Inheritance: Both sporadic and heritable forms are tested..

Submissions (2):

Genetic Diagnostic Laboratory, University of Pennsylvania School of Medicine
Classification: Uncertain significance for Retinoblastoma. Last evaluated: 2024-05-20. Review status: criteria provided, single submitter. Criteria: ACMG Guidelines, 2015. Collection method: clinical testing. Allele origin: germline. Affected: yes. Observed: 1 variant allele.
Comment: Case and Pedigree Information: BILATERAL CASES:1, UNILATERAL CASES:0, TOTAL CASES:1, PEDIGREES:1. ACMG Codes Applied:PM2, PP3

Labcorp Genetics (formerly Invitae), Labcorp
Classification: Uncertain significance for Retinoblastoma. Last evaluated: 2022-10-11. Review status: criteria provided, single submitter. Criteria: Invitae Variant Classification Sherloc (09022015). Collection method: clinical testing. Allele origin: germline.
Comment: In summary, the available evidence is currently insufficient to determine the role of this variant in disease. Therefore, it has been classified as a Variant of Uncertain Significance. Variants that disrupt the consensus splice site are a relatively common cause of aberrant splicing (PMID: 17576681, 9536098). Algorithms developed to predict the effect of sequence changes on RNA splicing suggest that this variant may disrupt the consensus splice site. This variant has not been reported in the literature in individuals affected with RB1-related conditions. This variant is not present in population databases (gnomAD no frequency). This sequence change falls in intron 22 of the RB1 gene. It does not directly change the encoded amino acid sequence of the RB1 protein. It affects a nucleotide within the consensus splice site.

Literature cited by the submitters: PubMed 17576681 (cited by Labcorp Genetics (formerly Invitae), Labcorp); PubMed 9536098 (cited by Labcorp Genetics (formerly Invitae), Labcorp).

NM_000321.3(RB1):c.2325+5G>T

Gene: RB1 (RB transcriptional corepressor 1; plus strand). Cytogenetic location: 13q14.2.
Variant type: single nucleotide variant.
Coding change: c.2325+5G>T on transcript NM_000321.3 (MANE Select); 5 bases into the intron after coding-DNA position 2325, G replaced by T.
Molecular consequence: intron variant.
Genome position (GRCh38, 1-based): chr13:48,465,116, G>T. VCF-style: chr13-48465116-G-T. GRCh37 (hg19) VCF-style: chr13-49039252-G-T.
Identifiers: ClinVar variation 2035146 (VCV002035146.5), dbSNP rs886042249, ClinGen allele CA2580087682.